The following is an entry in ClinVar:

ClinVar aggregate classification (germline): Uncertain significance (1 of 4 stars; one submission).

Allele frequency attached by ClinVar (database versions not stated): ExAC 0.00001; gnomAD 0.00001; gnomAD exomes 0.00001 and 0.00002; TOPMed 0.00002.
gnomAD v4.1: 17 of 1,600,170 alleles (0.0011%); highest among the groups gnomAD compares: Admixed American, 0.0087%; no homozygotes.

Submission:

Labcorp Genetics (formerly Invitae), Labcorp
Classification: Uncertain significance. Last evaluated: 2022-07-30. Review status: criteria provided, single submitter. Criteria: Invitae Variant Classification Sherloc (09022015). Collection method: clinical testing. Allele origin: germline.
Comment: ClinVar contains an entry for this variant (Variation ID: 1504679). In summary, the available evidence is currently insufficient to determine the role of this variant in disease. Therefore, it has been classified as a Variant of Uncertain Significance. Algorithms developed to predict the effect of missense changes on protein structure and function are either unavailable or do not agree on the potential impact of this missense change (SIFT: "Deleterious"; PolyPhen-2: "Benign"; Align-GVGD: "Class C0"). This variant has not been reported in the literature in individuals affected with CCT2-related conditions. This variant is present in population databases (rs747763186, gnomAD 0.01%). This sequence change replaces alanine, which is neutral and non-polar, with threonine, which is neutral and polar, at codon 34 of the CCT2 protein (p.Ala34Thr).

NM_006431.3(CCT2):c.100G>A (p.Ala34Thr)

Gene: CCT2 (chaperonin containing TCP1 subunit 2; plus strand). Cytogenetic location: 12q15.
Variant type: single nucleotide variant.
Coding change: c.100G>A on transcript NM_006431.3 (MANE Select); coding-DNA position 100, G replaced by A.
Protein change: p.Ala34Thr; replaces alanine 34 with threonine.
Molecular consequence: missense variant. On other transcripts: 5 prime UTR variant (1).
Genome position (GRCh38, 1-based): chr12:69,586,774, G>A. VCF-style: chr12-69586774-G-A. GRCh37 (hg19) VCF-style: chr12-69980554-G-A.
Other names: c.-42G>A (NM_001198842.2); short protein forms A34T.
Identifiers: ClinVar variation 1504679 (VCV001504679.8), dbSNP rs747763186, ClinGen allele CA6680459.